The following is an entry in ClinVar:

NM_001165963.4(SCN1A):c.3879+1G>A

Genes: SCN1A (sodium voltage-gated channel alpha subunit 1; minus strand), LOC102724058 (uncharacterized LOC102724058; plus strand). Cytogenetic location: 2q24.3.
Variant type: single nucleotide variant.
Coding change: c.3879+1G>A on transcript NM_001165963.4 (MANE Select); the canonical splice donor site of the intron after coding-DNA position 3879, G replaced by A.
Molecular consequence: splice donor variant.
Genome position (GRCh38, 1-based): chr2:166,012,108, C>T on the plus strand (G>A on the coding strand, the complement: SCN1A is on the minus strand). VCF-style: chr2-166012108-C-T. GRCh37 (hg19) VCF-style: chr2-166868618-C-T.
Other names: c.3846+1G>A (NM_001353949.2, NM_001353950.2, NM_001353951.2 and 2 more transcripts); c.3795+1G>A (NM_001353958.2, NM_001353957.2, NM_001165964.3); c.3879+1G>A (NM_001202435.3, NM_001353948.2); c.3843+1G>A (NM_001353955.2, NM_001353954.2); c.3792+1G>A (NM_001353960.2); c.1437+1G>A (NM_001353961.2).
Identifiers: ClinVar variation 2203184 (VCV002203184.4), dbSNP rs794726700, ClinGen allele CA349053779.

ClinVar aggregate classification (germline): Pathogenic (1 of 4 stars; one submission).

Conditions:
Early-infantile DEE. Also called: Early infantile epileptic encephalopathy with suppression bursts; Early infantile epileptic encephalopathy; Ohtahara syndrome. Identifiers: Orphanet 1934, MedGen C0393706, MONDO:0800491.

Submission:

Labcorp Genetics (formerly Invitae), Labcorp
Classification: Pathogenic for Early-infantile DEE. Last evaluated: 2025-05-27. Review status: criteria provided, single submitter. Criteria: Invitae Variant Classification Sherloc (09022015). Collection method: clinical testing. Allele origin: germline.
Comment: This sequence change affects a donor splice site in intron 19 of the SCN1A gene. It is expected to disrupt RNA splicing. Variants that disrupt the donor or acceptor splice site typically lead to a loss of protein function (PMID: 16199547), and loss-of-function variants in SCN1A are known to be pathogenic (PMID: 17347258, 18930999). This variant is not present in population databases (gnomAD no frequency). Disruption of this splice site has been observed in individual(s) with Dravet syndrome (PMID: 18930999, 21248271, 23195492). In at least one individual the variant was observed to be de novo. This variant is also known as IVS19+1G>A. ClinVar contains an entry for this variant (Variation ID: 2203184). Algorithms developed to predict the effect of sequence changes on RNA splicing suggest that this variant may disrupt the consensus splice site. For these reasons, this variant has been classified as Pathogenic.

Literature cited by the submitters: PubMed 16199547; PubMed 17347258; PubMed 18930999; PubMed 21248271; PubMed 23195492.